The following is an entry in ClinVar:

ClinVar aggregate classification (germline): Uncertain significance (1 of 4 stars; one submission).

Conditions:
Inborn genetic diseases. Identifiers: MedGen C0950123, MeSH D030342.

Submission:

Ambry Genetics
Classification: Uncertain significance for Inborn genetic diseases. Last evaluated: 2025-02-21. Review status: criteria provided, single submitter. Criteria: Ambry Variant Classification Scheme 2023. Collection method: clinical testing. Allele origin: germline.
Comment: The p.E1289D variant (also known as c.3867G>C), located in coding exon 1 of the SAMD9 gene, results from a G to C substitution at nucleotide position 3867. The glutamic acid at codon 1289 is replaced by aspartic acid, an amino acid with highly similar properties. This amino acid position is conserved. In addition, this alteration is predicted to be tolerated by in silico analysis. Based on the available evidence, the clinical significance of this variant remains unclear.

NM_017654.4(SAMD9):c.3867G>C (p.Glu1289Asp)

Gene: SAMD9 (sterile alpha motif domain containing 9; minus strand). Cytogenetic location: 7q21.2.
Variant type: single nucleotide variant.
Coding change: c.3867G>C on transcript NM_017654.4 (MANE Select); coding-DNA position 3867, G replaced by C.
Protein change: p.Glu1289Asp; replaces glutamic acid 1289 with aspartic acid.
Molecular consequence: missense variant.
Genome position (GRCh38, 1-based): chr7:93,102,231, C>G on the plus strand (G>C on the coding strand, the complement: SAMD9 is on the minus strand). VCF-style: chr7-93102231-C-G. GRCh37 (hg19) VCF-style: chr7-92731544-C-G.
Other names: c.3867G>C, p.Glu1289Asp (NM_001193307.2); short protein forms E1289D.
Identifiers: ClinVar variation 3792112 (VCV003792112.1).